The following is an entry in ClinVar:

NM_001244008.2(KIF1A):c.3479T>C (p.Val1160Ala)

Gene: KIF1A (kinesin family member 1A; minus strand). Cytogenetic location: 2q37.3.
Variant type: single nucleotide variant.
Coding change: c.3479T>C on transcript NM_001244008.2 (MANE Select); coding-DNA position 3479, T replaced by C.
Protein change: p.Val1160Ala; replaces valine 1160 with alanine.
Molecular consequence: missense variant.
Genome position (GRCh38, 1-based): chr2:240,744,047, A>G on the plus strand (T>C on the coding strand, the complement: KIF1A is on the minus strand). VCF-style: chr2-240744047-A-G. GRCh37 (hg19) VCF-style: chr2-241683464-A-G.
Other names: c.3203T>C, p.Val1068Ala (NM_001320705.2, NM_001330289.2, NM_001379638.1); c.3278T>C, p.Val1093Ala (NM_001330290.2, NM_001379634.1, NM_001379635.1 and 1 more transcripts); c.3554T>C, p.Val1185Ala (NM_001379631.1); c.3428T>C, p.Val1143Ala (NM_001379632.1); c.3452T>C, p.Val1151Ala (NM_001379633.1, NM_001379642.1, NM_001379645.1); c.3176T>C, p.Val1059Ala (NM_001379636.1, NM_001379639.1, NM_001379641.1 and 5 more transcripts); c.3251T>C, p.Val1084Ala (NM_001379637.1, NM_001379648.1); c.3173T>C, p.Val1058Ala (NM_001379640.1); short protein forms V1084A, V1059A, V1151A, V1160A, V1185A, V1058A, V1068A, V1093A.
Identifiers: ClinVar variation 4789373 (VCV004789373.1).
Genomic context (GRCh38, chr2:240,744,047, plus strand): 5'-TGGCCAAAGACCTCGAAAACAATGGGCTGGCTCTTGATGTACTCAATGAAGGACTTGGTC[A>G]CCTCCACTGCGATCTGGTGGGCAGGCAGGTGGGAGGACAGGAGGGCACGGCCAGGTCACA-3'
Protein context (NP_001230937.1, residues 1150-1170): FYHVQNIAVE[Val1160Ala]TKSFIEYIKS

ClinVar aggregate classification (germline): Uncertain significance (1 of 4 stars; one submission).

Conditions:
Neuropathy, hereditary sensory, type 2C. Also called: KIF1A-Related HSAN2 (HSAN2C); Hereditary sensory and autonomic neuropathy type IIC. Identifiers: Orphanet 970, MedGen C3280168, MONDO:0013634, OMIM 614213.
Hereditary spastic paraplegia 30. Identifiers: Orphanet 101010, MedGen C5235139, MONDO:0012476.
Intellectual disability, autosomal dominant 9 (NESCAVS). Also called: KIF1A-Related Neurodevelopmental Disorder; NESCAV SYNDROME. Identifiers: Orphanet 662367, MedGen C5393830, MONDO:0013656, OMIM 614255.

Submission:

Labcorp Genetics (formerly Invitae), Labcorp
Classification: Uncertain significance for Hereditary spastic paraplegia 30; Neuropathy, hereditary sensory, type 2C; Intellectual disability, autosomal dominant 9. Last evaluated: 2025-06-12. Review status: criteria provided, single submitter. Criteria: Invitae Variant Classification Sherloc (09022015). Collection method: clinical testing. Allele origin: germline.
Comment: This sequence change replaces valine, which is neutral and non-polar, with alanine, which is neutral and non-polar, at codon 1059 of the KIF1A protein (p.Val1059Ala). This variant is not present in population databases (gnomAD no frequency). This variant has not been reported in the literature in individuals affected with KIF1A-related conditions. Invitae Evidence Modeling of protein sequence and biophysical properties (such as structural, functional, and spatial information, amino acid conservation, physicochemical variation, residue mobility, and thermodynamic stability) indicates that this missense variant is not expected to disrupt KIF1A protein function with a negative predictive value of 95%. In summary, the available evidence is currently insufficient to determine the role of this variant in disease. Therefore, it has been classified as a Variant of Uncertain Significance.